The following is an entry in ClinVar:

NM_024408.4(NOTCH2):c.4758A>C (p.Glu1586Asp)

Gene: NOTCH2 (notch receptor 2; minus strand). Cytogenetic location: 1p12.
Variant type: single nucleotide variant.
Coding change: c.4758A>C on transcript NM_024408.4 (MANE Select); coding-DNA position 4758, A replaced by C.
Protein change: p.Glu1586Asp; replaces glutamic acid 1586 with aspartic acid.
Molecular consequence: missense variant.
Genome position (GRCh38, 1-based): chr1:119,923,738, T>G on the plus strand (A>C on the coding strand, the complement: NOTCH2 is on the minus strand). VCF-style: chr1-119923738-T-G. GRCh37 (hg19) VCF-style: chr1-120466361-T-G.
Other names: short protein forms E1586D.
Identifiers: ClinVar variation 2887875 (VCV002887875.3), dbSNP rs587597840, ClinGen allele CA1039806.

ClinVar aggregate classification (germline): Uncertain significance (1 of 4 stars; one submission).

Conditions:
Hajdu-Cheney syndrome (HJCYS). Also called: SERPENTINE FIBULA-POLYCYSTIC KIDNEY SYNDROME; ACROOSTEOLYSIS WITH OSTEOPOROSIS AND CHANGES IN SKULL AND MANDIBLE; Acroosteolysis dominant type. Identifiers: Orphanet 955, MedGen C0917715, MONDO:0007057, OMIM 102500.

gnomAD v4.1: 10 of 1,614,166 alleles (0.00062%); highest among the groups gnomAD compares: East Asian, 0.018%; no homozygotes.

Submission:

Labcorp Genetics (formerly Invitae), Labcorp
Classification: Uncertain significance for Hajdu-Cheney syndrome. Last evaluated: 2022-12-06. Review status: criteria provided, single submitter. Criteria: Invitae Variant Classification Sherloc (09022015). Collection method: clinical testing. Allele origin: germline.
Comment: This sequence change replaces glutamic acid, which is acidic and polar, with aspartic acid, which is acidic and polar, at codon 1586 of the NOTCH2 protein (p.Glu1586Asp). In summary, the available evidence is currently insufficient to determine the role of this variant in disease. Therefore, it has been classified as a Variant of Uncertain Significance. Advanced modeling of protein sequence and biophysical properties (such as structural, functional, and spatial information, amino acid conservation, physicochemical variation, residue mobility, and thermodynamic stability) performed at Invitae indicates that this missense variant is not expected to disrupt NOTCH2 protein function. This variant has not been reported in the literature in individuals affected with NOTCH2-related conditions. This variant is present in population databases (rs587597840, gnomAD 0.03%).